The following is an entry in ClinVar:

ClinVar aggregate classification (germline): Uncertain significance. Review status: criteria provided, multiple submitters, no conflicts (2 of 4 stars). 2 submissions from 2 submitters: Uncertain significance (2). Last evaluated 2025-11-16.

Conditions:
PKHD1-related disorder. Also called: PKHD1-related condition.
Autosomal recessive polycystic kidney disease (ARPKD). Also called: AR polycystic kidney disease. Identifiers: Orphanet 731, Orphanet 8378, MedGen C0085548, MeSH D017044, MONDO:0009889.

Allele frequency attached by ClinVar (database versions not stated): gnomAD below 0.00001 and 0.00002; TOPMed below 0.00001; gnomAD exomes 0.00002 and 0.00004; ExAC 0.00006; 1000 Genomes Project 30x 0.00016; 1000 Genomes Project 0.00020.
gnomAD v4.1: 35 of 1,614,028 alleles (0.0022%); highest among the groups gnomAD compares: South Asian, 0.037%; no homozygotes.

Submissions (2):

PreventionGenetics, part of Exact Sciences
Classification: Uncertain significance for PKHD1-related condition. Last evaluated: 2025-11-16. Review status: criteria provided, single submitter. Criteria: ACMG Guidelines, 2015. Collection method: clinical testing. Allele origin: germline.
Comment: The PKHD1 c.9544G>A variant is predicted to result in the amino acid substitution p.Val3182Ile. To our knowledge, this variant has not been reported in the literature. This variant is reported in 0.033% of alleles in individuals of South Asian descent in gnomAD. At this time, the clinical significance of this variant is uncertain due to the absence of conclusive functional and genetic evidence.

Illumina Laboratory Services, Illumina
Classification: Uncertain significance for Polycystic kidney disease 4. Last evaluated: 2018-01-12. Review status: criteria provided, single submitter. Criteria: ICSL Variant Classification Criteria 13 December 2019. Collection method: clinical testing. Allele origin: germline.

NM_138694.4(PKHD1):c.9544G>A (p.Val3182Ile)

Gene: PKHD1 (PKHD1 ciliary IPT domain containing fibrocystin/polyductin; minus strand). Cytogenetic location: 6p12.3.
Variant type: single nucleotide variant.
Coding change: c.9544G>A on transcript NM_138694.4 (MANE Select); coding-DNA position 9544, G replaced by A.
Protein change: p.Val3182Ile; replaces valine 3182 with isoleucine.
Molecular consequence: missense variant.
Genome position (GRCh38, 1-based): chr6:51,748,072, C>T on the plus strand (G>A on the coding strand, the complement: PKHD1 is on the minus strand). VCF-style: chr6-51748072-C-T. GRCh37 (hg19) VCF-style: chr6-51612870-C-T.
Other names: c.9544G>A, p.Val3182Ile (NM_170724.3); short protein forms V3182I.
Identifiers: ClinVar variation 357416 (VCV000357416.6), dbSNP rs575058604, ClinGen allele CA3851376.
Genomic context (GRCh38, chr6:51,748,072, plus strand): 5'-TCCTAAGCACAATCTGCACTTTTTTGACGGAATTTTGTGGAGCAGAAAATACATACACTA[C>T]TGCCAAAAGACCAATAGTATTGTCTACCAGAGTAATGTTCTCTATCTCCACGCTGTTCTC-3'
Protein context (NP_619639.3, residues 3172-3192): LVDNTIGLLA[Val3182Ile]VYVFSAPQNS